The following is an entry in ClinVar:

ClinVar aggregate classification (germline): Pathogenic (1 of 4 stars; one submission).

Submission:

Labcorp Genetics (formerly Invitae), Labcorp
Classification: Pathogenic. Last evaluated: 2019-06-23. Review status: criteria provided, single submitter. Criteria: Invitae Variant Classification Sherloc (09022015). Collection method: clinical testing. Allele origin: germline.
Comment: This variant is an in-frame deletion of the genomic region encompassing exons 22-23 of the USH2A gene. It preserves the integrity of the reading frame. A similar deletion of exons 22-23 has been reported in individuals affected with Usher syndrome (PMID: 17405132, 23924366). In at least one individual the data is consistent with the variant being in trans (on the opposite chromosome) from a pathogenic variant. For these reasons, this variant has been classified as Pathogenic.

Literature cited by the submitters: PubMed 23924366; PubMed 17405132.

NC_000001.11:g.(?_216089003)_(216097223_?)del

Gene: USH2A (usherin; minus strand). Cytogenetic location: 1q41.
Variant type: Deletion.
Identifiers: ClinVar variation 832567 (VCV000832567.1).